The following is an entry in ClinVar:

ClinVar aggregate classification (germline): Pathogenic/Likely pathogenic. Review status: criteria provided, multiple submitters, no conflicts (2 of 4 stars). 6 submissions from 6 submitters: Pathogenic (5); Likely pathogenic (1). Last evaluated 2025-11-13.

Conditions:
3-methylcrotonyl-CoA carboxylase 2 deficiency. Also called: METHYLCROTONYLGLYCINURIA, TYPE II; 3 alpha methylcrotonyl-CoA carboxylase 2 deficiency; 3 alpha methylcrotonylglycinuria 2; MCC 2 deficiency; Methylcrotonylglycinuria type 2. Identifiers: Orphanet 6, MedGen C1859499, MONDO:0008862, OMIM 210210.

Allele frequency attached by ClinVar (database versions not stated): TOPMed below 0.00001; ExAC 0.00001; gnomAD exomes below 0.00001 and 0.00001.
gnomAD v4.1: 3 of 1,614,052 alleles (0.00019%); highest among the groups gnomAD compares: Admixed American, 0.0017%; no homozygotes.

Submissions (6):

Labcorp Genetics (formerly Invitae), Labcorp
Classification: Pathogenic for 3-methylcrotonyl-CoA carboxylase 2 deficiency. Last evaluated: 2025-11-13. Review status: criteria provided, single submitter. Criteria: Invitae Variant Classification Sherloc (09022015). Collection method: clinical testing. Allele origin: germline.
Comment: This sequence change creates a premature translational stop signal (p.Arg180*) in the MCCC2 gene. It is expected to result in an absent or disrupted protein product. Loss-of-function variants in MCCC2 are known to be pathogenic (PMID: 11181649, 22642865). This variant is present in population databases (rs780011606, gnomAD 0.006%). This premature translational stop signal has been observed in individuals with 3-methylcrotonyl-CoA carboxylase deficiency (PMID: 16835865, 22642865). ClinVar contains an entry for this variant (Variation ID: 488740). For these reasons, this variant has been classified as Pathogenic.

Natera, Inc.
Classification: Likely pathogenic for 3-methylcrotonyl-CoA carboxylase 2 deficiency. Last evaluated: 2025-04-21. Review status: criteria provided, single submitter. Criteria: Natera Variant Classification Schema (03/2026). Collection method: clinical testing. Allele origin: germline.
Comment: The c.538C>T variant in MCCC2 is a nonsense variant predicted to introduce a stop codon at amino acid 180. This variant is expected to result in nonsense mediated decay, truncation, or a dysfunctional protein product. This variant is rare in the general population with a frequency below the threshold expected for the associated phenotype(s). Given the available evidence, this variant is classified as Likely Pathogenic.

Myriad Genetics, Inc.
Classification: Pathogenic for 3-methylcrotonyl-CoA carboxylase 2 deficiency. Last evaluated: 2024-08-20. Review status: criteria provided, single submitter. Criteria: Myriad Autosomal Dominant, Autosomal Recessive and X-Linked Classification Criteria (2023). Collection method: clinical testing. Allele origin: unknown.
Comment: NM_022132.4(MCCC2):c.538C>T(R180*) is expected to be pathogenic in the context of 3-methylcrotonyl-CoA carboxylase deficiency, MCCC2-related. This variant is predicted to lead to an abnormal or absent protein product due to the creation of a premature termination codon in MCCC2, a gene where loss-of-function variants are known to be pathogenic. Please note: this variant was assessed in the context of healthy population screening.

Baylor Genetics
Classification: Pathogenic for 3-methylcrotonyl-CoA carboxylase 2 deficiency. Last evaluated: 2024-01-12. Review status: criteria provided, single submitter. Criteria: ACMG Guidelines, 2015. Collection method: clinical testing. Allele origin: unknown.

Genome-Nilou Lab
Classification: Pathogenic for 3-methylcrotonyl-CoA carboxylase 2 deficiency. Last evaluated: 2021-07-22. Review status: criteria provided, single submitter. Criteria: ACMG Guidelines, 2015. Collection method: clinical testing. Allele origin: germline. Affected: no.

GeneDx
Classification: Pathogenic. Last evaluated: 2017-12-06. Review status: criteria provided, single submitter. Criteria: GeneDx Variant Classification (06012015). Collection method: clinical testing. Allele origin: germline. Affected: yes.
Comment: The R180X nonsense variant has been reported previously in association with 3-methylcrotonyl-CoA carboxylase (3-MCC) deficiency (Stadler et al., 2006; Grunert et al., 2012). This pathogenic variant is predicted to cause loss of normal protein function either through protein truncation or nonsense-mediated mRNA decay.

Literature cited by the submitters: PubMed 11181649 (cited by Labcorp Genetics (formerly Invitae), Labcorp); PubMed 22642865 (cited by Labcorp Genetics (formerly Invitae), Labcorp); PubMed 16835865 (cited by Labcorp Genetics (formerly Invitae), Labcorp).

NM_022132.5(MCCC2):c.538C>T (p.Arg180Ter)

Gene: MCCC2 (methylcrotonyl-CoA carboxylase subunit 2; plus strand). Cytogenetic location: 5q13.2.
Variant type: single nucleotide variant.
Coding change: c.538C>T on transcript NM_022132.5 (MANE Select); coding-DNA position 538, C replaced by T.
Protein change: p.Arg180Ter; replaces arginine 180 with a stop codon.
Molecular consequence: nonsense.
Genome position (GRCh38, 1-based): chr5:71,604,382, C>T. VCF-style: chr5-71604382-C-T. GRCh37 (hg19) VCF-style: chr5-70900209-C-T.
Other names: c.538C>T, p.Arg180Ter (NM_001363147.1); short protein forms R180*.
Identifiers: ClinVar variation 488740 (VCV000488740.22), dbSNP rs780011606, ClinGen allele CA3297805.